The following is an entry in ClinVar:

ClinVar aggregate classification (germline): Conflicting classifications of pathogenicity. Review status: criteria provided, conflicting classifications (1 of 4 stars). 2 submissions from 2 submitters: Uncertain significance (1); Likely benign (1). Last evaluated 2023-03-23.

Conditions:
Hereditary breast ovarian cancer syndrome. Also called: Hereditary breast and ovarian cancer; Breast and ovarian cancer; BRCA1- and BRCA2-Associated Hereditary Breast and Ovarian Cancer; Hereditary breast and/or ovarian cancer syndrome; Hereditary breast and ovarian cancer syndrome; Hereditary breast and ovarian cancer syndrome (HBOC). Identifiers: Orphanet 145, MedGen C0677776, MeSH D061325, MONDO:0003582. Disease mechanism: loss of function.
Hereditary cancer-predisposing syndrome. Also called: Tumor predisposition; Hereditary neoplastic syndrome; Hereditary Cancer Syndrome; Neoplastic Syndromes, Hereditary. Identifiers: Orphanet 140162, MedGen C0027672, MeSH D009386, MONDO:0015356.

Submissions (2):

University of Washington Department of Laboratory Medicine, University of Washington
Classification: Likely benign for Hereditary cancer-predisposing syndrome. Last evaluated: 2023-03-23. Review status: criteria provided, single submitter. Criteria: Dines et al. (Genet Med. 2020). Collection method: curation. Allele origin: germline.
Comment: Missense variant in a coldspot region where missense variants are very unlikely to be pathogenic (PMID:31911673).

BRCA2 exon 10 coldspot. Reclassification based on statistical prior probability.

Labcorp Genetics (formerly Invitae), Labcorp
Classification: Uncertain significance for Hereditary breast ovarian cancer syndrome. Last evaluated: 2022-05-08. Review status: criteria provided, single submitter. Criteria: Invitae Variant Classification Sherloc (09022015). Collection method: clinical testing. Allele origin: germline.
Comment: In summary, the available evidence is currently insufficient to determine the role of this variant in disease. Therefore, it has been classified as a Variant of Uncertain Significance. Advanced modeling of protein sequence and biophysical properties (such as structural, functional, and spatial information, amino acid conservation, physicochemical variation, residue mobility, and thermodynamic stability) performed at Invitae indicates that this missense variant is not expected to disrupt BRCA2 protein function. This variant has not been reported in the literature in individuals affected with BRCA2-related conditions. This variant is not present in population databases (gnomAD no frequency). This sequence change replaces threonine, which is neutral and polar, with serine, which is neutral and polar, at codon 544 of the BRCA2 protein (p.Thr544Ser).

NM_000059.4(BRCA2):c.1631C>G (p.Thr544Ser)

Gene: BRCA2 (BRCA2 DNA repair associated; plus strand). Cytogenetic location: 13q13.1.
Variant type: single nucleotide variant.
Coding change: c.1631C>G on transcript NM_000059.4 (MANE Select); coding-DNA position 1631, C replaced by G.
Protein change: p.Thr544Ser; replaces threonine 544 with serine.
Molecular consequence: missense variant.
Genome position (GRCh38, 1-based): chr13:32,333,109, C>G. VCF-style: chr13-32333109-C-G. GRCh37 (hg19) VCF-style: chr13-32907246-C-G.
Other names: short protein forms T544S.
Identifiers: ClinVar variation 1460481 (VCV001460481.7), dbSNP rs80358448, ClinGen allele CA387764934.